The following is an entry in ClinVar:

NM_001271938.2(MEGF8):c.2844G>C (p.Pro948=)

Gene: MEGF8 (multiple EGF like domains 8; plus strand). Cytogenetic location: 19q13.2.
Variant type: single nucleotide variant.
Coding change: c.2844G>C on transcript NM_001271938.2 (MANE Select); coding-DNA position 2844, G replaced by C.
Protein change: p.Pro948=; no amino-acid change (proline 948 retained).
Molecular consequence: synonymous variant.
Genome position (GRCh38, 1-based): chr19:42,351,323, G>C. VCF-style: chr19-42351323-G-C. GRCh37 (hg19) VCF-style: chr19-42855475-G-C.
Other names: c.2643G>C, p.Pro881= (NM_001410.3).
Identifiers: ClinVar variation 3387876 (VCV003387876.14).
Genomic context (GRCh38, chr19:42,351,323, plus strand): 5'-GGCATGCAGCCGGCGGGGCCGGGGTCGGGGTGCCCTGAAGAGTCCAGAGGAGTGTCCCCC[G>C]CTCTGCAGCCAGTGAGTCAGGCTGGGTGCAGGGAGTGGGTGGGTGGATGTGCCTGGGGAT-3'
Protein context (NP_001258867.1, residues 938-958): GALKSPEECP[Pro948=]LCSQRLTCED

ClinVar aggregate classification (germline): Likely benign (1 of 4 stars; one submission).

gnomAD v4.1: 2 of 1,567,910 alleles (0.00013%); highest among the groups gnomAD compares: Non-Finnish European, 0.000087%; no homozygotes.

Submission:

CeGaT Center for Human Genetics Tuebingen
Classification: Likely benign. Last evaluated: 2024-11-01. Review status: criteria provided, single submitter. Criteria: CeGaT Center For Human Genetics Tuebingen Variant Classification Criteria Version 2. Collection method: clinical testing. Allele origin: germline. Affected: yes. Observed: 1 variant allele.
Comment: MEGF8: BP4, BP7